The following is an entry in ClinVar:

ClinVar aggregate classification (germline): Pathogenic/Likely pathogenic. Review status: criteria provided, multiple submitters, no conflicts (2 of 4 stars). 3 submissions from 3 submitters: Pathogenic (1); Likely pathogenic (2). Last evaluated 2025-08-04.

Conditions:
Sialic acid storage disease, severe infantile type (ISSD). Also called: INFANTILE SIALIC ACID STORAGE DISORDER; N-ACETYLNEURAMINIC ACID STORAGE DISEASE; NANA STORAGE DISEASE; Free sialic acid storage disease, infantile form; SIALURIA, INFANTILE FORM; Infantile Sialic Acid Storage Disease. Identifiers: Orphanet 309324, Orphanet 834, MedGen C1096902, MONDO:0010027, OMIM 269920.
Salla disease (SD). Also called: Less Severe FSASD (Salla Disease); Sialuria, Finnish type; N-acetylneuraminic acid (NANA) storage disease (NSD); Infantile sialic acid storage disorder (ISSD). Identifiers: Orphanet 309334, Orphanet 834, MedGen C1096903, MONDO:0011449, OMIM 604369.

Allele frequency attached by ClinVar (database versions not stated): gnomAD exomes below 0.00001.

Submissions (3):

Natera, Inc.
Classification: Likely pathogenic for Salla disease. Last evaluated: 2025-08-04. Review status: criteria provided, single submitter. Criteria: Natera Variant Classification Schema (03/2026). Collection method: clinical testing. Allele origin: germline.
Comment: The c.829C>T variant in SLC17A5 is a nonsense variant predicted to introduce a stop codon at amino acid 277. This variant is expected to result in nonsense mediated decay, truncation, or a dysfunctional protein product. This variant is rare in the general population with a frequency below the threshold expected for the associated phenotype(s). Given the available evidence, this variant is classified as Likely Pathogenic.

Fulgent Genetics
Classification: Likely pathogenic for Sialic acid storage disease, severe infantile type; Salla disease. Last evaluated: 2024-05-17. Review status: criteria provided, single submitter. Criteria: ACMG Guidelines, 2015. Collection method: clinical testing. Allele origin: germline.

Labcorp Genetics (formerly Invitae), Labcorp
Classification: Pathogenic for Salla disease. Last evaluated: 2021-08-22. Review status: criteria provided, single submitter. Criteria: Invitae Variant Classification Sherloc (09022015). Collection method: clinical testing. Allele origin: germline.
Comment: This sequence change creates a premature translational stop signal (p.Gln277*) in the SLC17A5 gene. It is expected to result in an absent or disrupted protein product. Loss-of-function variants in SLC17A5 are known to be pathogenic (PMID: 10581036, 10947946, 15172001). This variant is not present in population databases (ExAC no frequency). This variant has not been reported in the literature in individuals affected with SLC17A5-related conditions. For these reasons, this variant has been classified as Pathogenic.

Literature cited by the submitters: PubMed 10581036 (cited by Labcorp Genetics (formerly Invitae), Labcorp); PubMed 10947946 (cited by Labcorp Genetics (formerly Invitae), Labcorp); PubMed 15172001 (cited by Labcorp Genetics (formerly Invitae), Labcorp).

NM_012434.5(SLC17A5):c.829C>T (p.Gln277Ter)

Gene: SLC17A5 (solute carrier family 17 member 5; minus strand). Cytogenetic location: 6q13.
Variant type: single nucleotide variant.
Coding change: c.829C>T on transcript NM_012434.5 (MANE Select); coding-DNA position 829, C replaced by T.
Protein change: p.Gln277Ter; replaces glutamine 277 with a stop codon.
Molecular consequence: nonsense. On other transcripts: intron variant (1).
Genome position (GRCh38, 1-based): chr6:73,621,953, G>A on the plus strand (C>T on the coding strand, the complement: SLC17A5 is on the minus strand). VCF-style: chr6-73621953-G-A. GRCh37 (hg19) VCF-style: chr6-74331676-G-A.
Other names: c.829C>T (NM_012434.4); c.598C>T, p.Gln200Ter (NM_001382629.1); c.829C>T, p.Gln277Ter (NM_001382630.1, NM_001382633.1); c.850C>T, p.Gln284Ter (NM_001382631.1); c.742C>T, p.Gln248Ter (NM_001382632.1); c.826C>T, p.Gln276Ter (NM_001382635.1); c.511C>T, p.Gln171Ter (NM_001382636.1); c.820-6506C>T (NM_001382634.1); short protein forms Q277*, Q248*, Q200*, Q276*, Q284*, Q171*.
Identifiers: ClinVar variation 1457044 (VCV001457044.8), dbSNP rs1768174708, ClinGen allele CA364713739.